The following is an entry in ClinVar:

ClinVar aggregate classification (germline): Pathogenic/Likely pathogenic. Review status: criteria provided, multiple submitters, no conflicts (2 of 4 stars). 4 submissions from 4 submitters: Pathogenic (2); Likely pathogenic (2). Last evaluated 2025-10-24.

Conditions:
Cardiovascular phenotype. Identifiers: MedGen CN230736.
Telangiectasia, hereditary hemorrhagic, type 2 (HHT2). Also called: ACVRL1-Related Hereditary Hemorrhagic Telangiectasia; Telangiectasia, hereditary hemorrhagic, type II. Identifiers: Orphanet 774, MedGen C1838163, MONDO:0010880, OMIM 600376. Disease mechanism: loss of function.

Submissions (4):

Labcorp Genetics (formerly Invitae), Labcorp
Classification: Pathogenic for Telangiectasia, hereditary hemorrhagic, type 2. Last evaluated: 2025-10-24. Review status: criteria provided, single submitter. Criteria: Invitae Variant Classification Sherloc (09022015). Collection method: clinical testing. Allele origin: germline.
Comment: This sequence change replaces alanine, which is neutral and non-polar, with aspartic acid, which is acidic and polar, at codon 400 of the ACVRL1 protein (p.Ala400Asp). This variant is not present in population databases (gnomAD no frequency). This missense change has been observed in individuals with clinical features of hereditary hemorrhagic telangiectasia (PMID: 12114496; internal data). ClinVar contains an entry for this variant (Variation ID: 1369732). Invitae Evidence Modeling of protein sequence and biophysical properties (such as structural, functional, and spatial information, amino acid conservation, physicochemical variation, residue mobility, and thermodynamic stability) indicates that this missense variant is expected to disrupt ACVRL1 protein function with a positive predictive value of 95%. Experimental studies are conflicting or provide insufficient evidence to determine the effect of this variant on ACVRL1 function (PMID: 16282348). This variant disrupts the p.Ala400 amino acid residue in ACVRL1. Other variant(s) that disrupt this residue have been observed in individuals with ACVRL1-related conditions (PMID: 29631995, 30578397), which suggests that this may be a clinically significant amino acid residue. For these reasons, this variant has been classified as Pathogenic.

ARUP Laboratories, Molecular Genetics and Genomics, ARUP Laboratories
Classification: Pathogenic for Telangiectasia, hereditary hemorrhagic, type 2. Last evaluated: 2025-02-21. Review status: criteria provided, single submitter. Criteria: ARUP Molecular Germline Variant Investigation Process 2024. Collection method: clinical testing. Allele origin: germline.
Comment: The ACVRL1 c.1199C>A; p.Ala400Asp variant (rs2139076990, ClinVar Variation ID: 1369732) is reported in the literature in multiple individuals affected with hereditary hemorrhagic telangiectasia (Canzonieri 2014, Olivieri 2002, Olivieri 2007, Prigoda 2006). This variant is absent from the Genome Aggregation Database (v2.1.1), indicating it is not a common polymorphism. Computational analyses predict that this variant is deleterious (REVEL: 0.964), and functional analyses of the variant protein show reduced surface expression and impaired Smad pathway activation (Gu 2006). Additionally, other variants at this codon (c.1199C>A; p.Ala400Asp; c.1199C>T; p.Ala400Val) have been reported in individuals with HHT and are considered likely pathogenic (Canzonieri 2014, Zhu 2018). Based on available information, the p.Ala400Asp variant is considered to be pathogenic. References: Canzonieri C et al. Endoscopic evaluation of gastrointestinal tract in patients with hereditary hemorrhagic telangiectasia and correlation with their genotypes. Genet Med. 2014 Jan;16(1):3-10. PMID: 23722869. Gu Y et al. Functional analysis of mutations in the kinase domain of the TGF-beta receptor ALK1 reveals different mechanisms for induction of hereditary hemorrhagic telangiectasia. Blood. 2006 Mar 1;107(5):1951-4. PMID: 16282348. Olivieri C et al. Identification of 13 new mutations in the ACVRL1 gene in a group of 52 unselected Italian patients affected by hereditary haemorrhagic telangiectasia. J Med Genet. 2002 Jul;39(7):E39. PMID: 12114496. Olivieri C et al. Analysis of ENG and ACVRL1 genes in 137 HHT Italian families identifies 76 different mutations (24 novel). Comparison with other European studies. J Hum Genet. 2007;52(10):820-829. PMID: 17786384. Prigoda NL et al. Hereditary haemorrhagic telangiectasia: mutation detection, test sensitivity and novel mutations. J Med Genet. 2006 Sep;43(9):722-8. PMID: 16690726. Zhu N et al. Exome Sequencing in Children With Pulmonary Arterial Hypertension Demonstrates Differences Compared With Adults. Circ Genom Precis Med. 2018 Apr;11(4):e001887. PMID: 29631995

Baylor Genetics
Classification: Likely pathogenic for Telangiectasia, hereditary hemorrhagic, type 2. Last evaluated: 2022-11-01. Review status: criteria provided, single submitter. Criteria: ACMG Guidelines, 2015. Collection method: clinical testing. Allele origin: unknown.

Ambry Genetics
Classification: Likely pathogenic for Cardiovascular phenotype. Last evaluated: 2019-12-09. Review status: criteria provided, single submitter. Criteria: Ambry Variant Classification Scheme 2023. Collection method: clinical testing. Allele origin: germline.
Comment: The p.A400D variant (also known as c.1199C>A), located in coding exon 7 of the ACVRL1 gene, results from a C to A substitution at nucleotide position 1199. The alanine at codon 400 is replaced by aspartic acid, an amino acid with dissimilar properties. This variant was detected in individuals with a clinical diagnosis of hereditary hemorrhagic telangiectasia (Olivieri C et al. J. Med. Genet., 2002 Jul;39:E39; Olivieri C et al. J. Hum. Genet., 2007 Sep;52:820-9; Canzonieri C et al. Genet. Med., 2014 Jan;16:3-10). In addition, in vitro analysis demonstrated lower levels of ACVRL1 at the cell surface compared to wild type (Gu Y et al. Blood, 2006 Mar;107:1951-4). This amino acid position is highly conserved in available vertebrate species. In addition, this alteration is predicted to be deleterious by in silico analysis. Based on the majority of available evidence to date, this variant is likely to be pathogenic.

Literature cited by the submitters: PubMed 12114496 (cited by Labcorp Genetics (formerly Invitae), Labcorp and Ambry Genetics); PubMed 16282348 (cited by Labcorp Genetics (formerly Invitae), Labcorp and Ambry Genetics); PubMed 29631995 (cited by Labcorp Genetics (formerly Invitae), Labcorp); PubMed 30578397 (cited by Labcorp Genetics (formerly Invitae), Labcorp); PubMed 17786384 (cited by Ambry Genetics); PubMed 23722869 (cited by Ambry Genetics).

NM_000020.3(ACVRL1):c.1199C>A (p.Ala400Asp)

Gene: ACVRL1 (activin A receptor like type 1; plus strand). Cytogenetic location: 12q13.13.
Variant type: single nucleotide variant.
Coding change: c.1199C>A on transcript NM_000020.3 (MANE Select); coding-DNA position 1199, C replaced by A.
Protein change: p.Ala400Asp; replaces alanine 400 with aspartic acid.
Molecular consequence: missense variant.
Genome position (GRCh38, 1-based): chr12:51,916,186, C>A. VCF-style: chr12-51916186-C-A. GRCh37 (hg19) VCF-style: chr12-52309970-C-A.
Other names: c.1199C>A, p.Ala400Asp (NM_001077401.2); short protein forms A400D.
Identifiers: ClinVar variation 1369732 (VCV001369732.9), dbSNP rs2139076990, ClinGen allele CA384902908.